The following is an entry in ClinVar:

ClinVar aggregate classification (germline): Uncertain significance (1 of 4 stars; one submission).

gnomAD v4.1: 15 of 1,548,926 alleles (0.00097%); highest among the groups gnomAD compares: South Asian, 0.015%; no homozygotes.

Submission:

Labcorp Genetics (formerly Invitae), Labcorp
Classification: Uncertain significance. Last evaluated: 2025-05-14. Review status: criteria provided, single submitter. Criteria: Invitae Variant Classification Sherloc (09022015). Collection method: clinical testing. Allele origin: germline.
Comment: This sequence change replaces leucine, which is neutral and non-polar, with phenylalanine, which is neutral and non-polar, at codon 7 of the PCLO protein (p.Leu7Phe). This variant is present in population databases (rs766637244, gnomAD 0.02%). This variant has not been reported in the literature in individuals affected with PCLO-related conditions. Experimental studies and prediction algorithms are not available or were not evaluated, and the functional significance of this variant is currently unknown. In summary, the available evidence is currently insufficient to determine the role of this variant in disease. Therefore, it has been classified as a Variant of Uncertain Significance.

NM_033026.6(PCLO):c.21G>T (p.Leu7Phe)

Genes: PCLO (piccolo presynaptic cytomatrix protein; minus strand), LOC129998728 (ATAC-STARR-seq lymphoblastoid silent region 18336; plus strand). Cytogenetic location: 7q21.11.
Variant type: single nucleotide variant.
Coding change: c.21G>T on transcript NM_033026.6 (MANE Select); coding-DNA position 21, G replaced by T.
Protein change: p.Leu7Phe; replaces leucine 7 with phenylalanine.
Molecular consequence: missense variant.
Genome position (GRCh38, 1-based): chr7:83,162,572, C>A on the plus strand (G>T on the coding strand, the complement: PCLO is on the minus strand). VCF-style: chr7-83162572-C-A. GRCh37 (hg19) VCF-style: chr7-82791888-C-A.
Other names: c.21G>T, p.Leu7Phe (NM_014510.3); short protein forms L7F.
Identifiers: ClinVar variation 4768107 (VCV004768107.1).